The following is an entry in ClinVar:

NM_000090.4(COL3A1):c.1770T>C (p.Pro590=)

Gene: COL3A1 (collagen type III alpha 1 chain; plus strand). Cytogenetic location: 2q32.2.
Variant type: single nucleotide variant.
Coding change: c.1770T>C on transcript NM_000090.4 (MANE Select); coding-DNA position 1770, T replaced by C.
Protein change: p.Pro590=; no amino-acid change (proline 590 retained).
Molecular consequence: synonymous variant.
Genome position (GRCh38, 1-based): chr2:188,997,173, T>C. VCF-style: chr2-188997173-T-C. GRCh37 (hg19) VCF-style: chr2-189861899-T-C.
Other names: p.P590P:CCT>CCC; p.Pro590=.
Identifiers: ClinVar variation 136844 (VCV000136844.39), dbSNP rs80302667, ClinGen allele CA004515.

ClinVar aggregate classification (germline): Benign. Review status: criteria provided, multiple submitters, no conflicts (2 of 4 stars). 13 submissions from 13 submitters: Benign (12). 1 of the submissions does not count toward it. Last evaluated 2026-02-01.

Conditions:
Ehlers-Danlos syndrome (EDS). Identifiers: Orphanet 98249, MedGen C0013720, MONDO:0020066.
Ehlers-Danlos syndrome, type 4 (EDSVASC). Also called: Ehlers-Danlos syndrome vascular type; Ehlers Danlos syndrome, ecchymotic type; Ehlers Danlos syndrome, arterial type; Ehlers Danlos syndrome, Sack-Barabas type; Ehlers-Danlos Syndrome Type IV. Identifiers: Orphanet 286, MedGen C0268338, MONDO:0017314, OMIM 130050.
Familial thoracic aortic aneurysm and aortic dissection (TAAD). Also called: Thoracic aortic aneurysms and dissections. Identifiers: Orphanet 91387, MedGen C4707243, MONDO:0019625.

Allele frequency attached by ClinVar (database versions not stated): gnomAD exomes 0.00124 and 0.00310; ExAC 0.00410; 1000 Genomes Project 0.01278; gnomAD 0.01370 and 0.01481; 1000 Genomes Project 30x 0.01374; TOPMed 0.01552; ESP Exome Variant Server 0.01715.

Submissions (13):

Labcorp Genetics (formerly Invitae), Labcorp
Classification: Benign for Ehlers-Danlos syndrome, type 4. Last evaluated: 2026-02-01. Review status: criteria provided, single submitter. Criteria: Invitae Variant Classification Sherloc (09022015). Collection method: clinical testing. Allele origin: germline.

Molecular Diagnostic Laboratory for Inherited Cardiovascular Disease, Montreal Heart Institute
Classification: Benign. Last evaluated: 2025-04-09. Review status: criteria provided, single submitter. Criteria: ACMG Guidelines, 2015. Collection method: clinical testing. Allele origin: germline. Affected: no.

ARUP Laboratories, Molecular Genetics and Genomics, ARUP Laboratories
Classification: Benign. Last evaluated: 2025-03-27. Review status: criteria provided, single submitter. Criteria: ARUP Molecular Germline Variant Investigation Process 2024. Collection method: clinical testing. Allele origin: germline.

All of Us Research Program, National Institutes of Health
Classification: Benign for Ehlers-Danlos syndrome, type 4. Last evaluated: 2024-02-05. Review status: criteria provided, single submitter. Criteria: ACMG Guidelines, 2015. Collection method: clinical testing. Allele origin: germline. Inheritance: Autosomal dominant inheritance. Observed: 773 variant alleles, 757 heterozygotes, 16 homozygotes.
Comment: This study involves interpretation of variants in research participants for the purpose of population health screening. Participant phenotype was not available at the time of variant classification. Additional details can be found in publication PMID: 35346344, PMCID: PMC8962531

Genome Diagnostics Laboratory, The Hospital for Sick Children
Classification: Benign for Ehlers-Danlos syndrome. Last evaluated: 2021-04-12. Review status: criteria provided, single submitter. Criteria: ACMG Guidelines, 2015. Collection method: clinical testing. Allele origin: germline.

Color Diagnostics, LLC DBA Color Health
Classification: Benign for Familial thoracic aortic aneurysm and aortic dissection. Last evaluated: 2018-03-16. Review status: criteria provided, single submitter. Criteria: ACMG Guidelines, 2015. Collection method: clinical testing. Allele origin: germline.

Illumina Laboratory Services, Illumina
Classification: Benign for Ehlers-Danlos syndrome, type 4. Last evaluated: 2018-01-13. Review status: criteria provided, single submitter. Criteria: ICSL Variant Classification Criteria 13 December 2019. Collection method: clinical testing. Allele origin: germline.
Comment: This variant was observed in the ICSL laboratory as part of a predisposition screen in an ostensibly healthy population. It had not been previously curated by ICSL or reported in the Human Gene Mutation Database (HGMD: prior to June 1st, 2018), and was therefore a candidate for classification through an automated scoring system. Utilizing variant allele frequency, disease prevalence and penetrance estimates, and inheritance mode, an automated score was calculated to assess if this variant is too frequent to cause the disease. Based on the score and internal cut-off values, a variant classified as benign is not then subjected to further curation. The score for this variant resulted in a classification of benign for this disease.

Ambry Genetics
Classification: Benign for Familial thoracic aortic aneurysm and aortic dissection. Last evaluated: 2016-01-07. Review status: criteria provided, single submitter. Criteria: Ambry Variant Classification Scheme 2023. Collection method: clinical testing. Allele origin: germline.

Mayo Clinic Laboratories, Mayo Clinic
Classification: Benign. Last evaluated: 2015-03-18. Review status: criteria provided, single submitter. Criteria: ACMG Guidelines, 2015. Collection method: clinical testing. Allele origin: germline. Observed: 28 variant alleles.

GeneDx
Classification: Benign. Last evaluated: 2013-02-01. Review status: criteria provided, single submitter. Criteria: GeneDx Variant Classification (06012015). Collection method: clinical testing. Allele origin: germline. Affected: yes.
Comment: This variant is considered likely benign or benign based on one or more of the following criteria: it is a conservative change, it occurs at a poorly conserved position in the protein, it is predicted to be benign by multiple in silico algorithms, and/or has population frequency not consistent with disease.

Breakthrough Genomics
Classification: Benign. Review status: criteria provided, single submitter. Criteria: ACMG Guidelines, 2015. Collection method: not provided. Allele origin: germline. Inheritance: Autosomal recessive inheritance. Affected: yes.

PreventionGenetics, part of Exact Sciences
Classification: Benign. Review status: criteria provided, single submitter. Criteria: ACMG Guidelines, 2015. Collection method: clinical testing. Allele origin: germline.

Cohesion Phenomics
Classification: Benign for Ehlers-Danlos syndrome, type 4. Last evaluated: 2022-09-23. Review status: no assertion criteria provided. Criteria: ACMG Guidelines, 2015. Collection method: clinical testing. Allele origin: germline. Affected: yes. Not counted in ClinVar's aggregate classification.